The following is an entry in ClinVar:

NM_002335.4(LRP5):c.4027T>C (p.Cys1343Arg)

Gene: LRP5 (LDL receptor related protein 5; plus strand). Cytogenetic location: 11q13.2.
Variant type: single nucleotide variant.
Coding change: c.4027T>C on transcript NM_002335.4 (MANE Select); coding-DNA position 4027, T replaced by C.
Protein change: p.Cys1343Arg; replaces cysteine 1343 with arginine.
Molecular consequence: missense variant.
Genome position (GRCh38, 1-based): chr11:68,436,915, T>C. VCF-style: chr11-68436915-T-C. GRCh37 (hg19) VCF-style: chr11-68204383-T-C.
Other names: c.2284T>C, p.Cys762Arg (NM_001291902.2); short protein forms C1343R, C762R.
Identifiers: ClinVar variation 1313839 (VCV001313839.7), dbSNP rs1171090375, ClinGen allele CA381614389.

ClinVar aggregate classification (germline): Uncertain significance. Review status: criteria provided, multiple submitters, no conflicts (2 of 4 stars). 2 submissions from 2 submitters: Uncertain significance (2). Last evaluated 2022-08-07.

Allele frequency attached by ClinVar (database versions not stated): gnomAD exomes below 0.00001.
gnomAD v4.1: 2 of 1,613,762 alleles (0.00012%); highest among the groups gnomAD compares: East Asian, 0.0022%; no homozygotes.

Submissions (2):

Labcorp Genetics (formerly Invitae), Labcorp
Classification: Uncertain significance. Last evaluated: 2022-08-07. Review status: criteria provided, single submitter. Criteria: Invitae Variant Classification Sherloc (09022015). Collection method: clinical testing. Allele origin: germline.
Comment: This sequence change replaces cysteine, which is neutral and slightly polar, with arginine, which is basic and polar, at codon 1343 of the LRP5 protein (p.Cys1343Arg). This variant is present in population databases (no rsID available, gnomAD 0.003%). This variant has not been reported in the literature in individuals affected with LRP5-related conditions. ClinVar contains an entry for this variant (Variation ID: 1313839). Advanced modeling of protein sequence and biophysical properties (such as structural, functional, and spatial information, amino acid conservation, physicochemical variation, residue mobility, and thermodynamic stability) performed at Invitae indicates that this missense variant is expected to disrupt LRP5 protein function. In summary, the available evidence is currently insufficient to determine the role of this variant in disease. Therefore, it has been classified as a Variant of Uncertain Significance.

GeneDx
Classification: Uncertain significance. Last evaluated: 2020-12-31. Review status: criteria provided, single submitter. Criteria: GeneDx Variant Classification Process June 2021. Collection method: clinical testing. Allele origin: germline. Affected: yes.
Comment: Not observed at a significant frequency in large population cohorts (Lek et al., 2016); In silico analysis supports that this missense variant has a deleterious effect on protein structure/function; Has not been previously published as pathogenic or benign to our knowledge